The following is an entry in ClinVar:

NM_004132.5(HABP2):c.83C>G (p.Ser28Cys)

Gene: HABP2 (hyaluronan binding protein 2; plus strand). Cytogenetic location: 10q25.3.
Variant type: single nucleotide variant.
Coding change: c.83C>G on transcript NM_004132.5 (MANE Select); coding-DNA position 83, C replaced by G.
Protein change: p.Ser28Cys; replaces serine 28 with cysteine.
Molecular consequence: missense variant.
Genome position (GRCh38, 1-based): chr10:113,567,502, C>G. VCF-style: chr10-113567502-C-G. GRCh37 (hg19) VCF-style: chr10-115327261-C-G.
Other names: c.5C>G, p.Ser2Cys (NM_001177660.3); short protein forms S28C, S2C.
Identifiers: ClinVar variation 1049357 (VCV001049357.1), dbSNP rs1845222049, ClinGen allele CA378413454.

ClinVar aggregate classification (germline): Uncertain significance (0 of 4 stars; one submission).

Allele frequency attached by ClinVar (database versions not stated): gnomAD exomes 0.00001; TOPMed 0.00001.
gnomAD v4.1: 11 of 1,612,508 alleles (0.00068%); highest among the groups gnomAD compares: Non-Finnish European, 0.00093%; no homozygotes.

Submission:

Department of Pathology and Laboratory Medicine, Sinai Health System
Classification: Uncertain significance. Review status: no assertion criteria provided. Collection method: clinical testing. Allele origin: unknown. Affected: yes. Study: The Canadian Open Genetics Repository (COGR).
Comment: The HABP2 p.Ser28Cys variant was not identified in the literature nor was it identified in dbSNP, ClinVar, LOVD 3.0 or in the following control databases: the 1000 Genomes Project, the NHLBI GO Exome Sequencing Project, the Exome Aggregation Consortium (August 8th 2016), or the Genome Aggregation Database (March 6, 2019, v2.1.1). The p.Ser28 residue is not conserved in mammals and computational analyses (PolyPhen-2, SIFT, AlignGVGD, BLOSUM, MutationTaster) provide inconsistent predictions regarding the impact to the protein; this information is not very predictive of pathogenicity. The variant occurs outside of the splicing consensus sequence and in silico or computational prediction software programs (SpliceSiteFinder, MaxEntScan, NNSPLICE, GeneSplicer) do not predict a difference in splicing. In summary, based on the above information the clinical significance of this variant cannot be determined with certainty at this time. This variant is classified as a variant of uncertain significance.